The following is an entry in ClinVar:

NM_015205.3(ATP11A):c.178_182del (p.Phe60fs)

Gene: ATP11A (ATPase phospholipid transporting 11A; plus strand). Cytogenetic location: 13q34.
Variant type: Deletion.
Coding change: c.178_182del on transcript NM_015205.3 (MANE Select); coding-DNA positions 178 to 182, 5 bases deleted (TTTAT; older notation c.178_182delTTTAT).
Protein change: p.Phe60fs; shifts the reading frame from phenylalanine 60.
Molecular consequence: frameshift variant.
Genome position (GRCh38, 1-based): chr13:112,804,972-112,804,976, TTTAT deleted. VCF-style (leftmost placement, unchanged base first): chr13-112804971-CTTTAT-C. GRCh37 (hg19) VCF-style: chr13-113459285-CTTTAT-C.
Other names: c.178_182del, p.Phe60fs (NM_001405661.1, NM_001405662.1, NM_001405663.1 and 1 more transcripts); short protein forms F60fs.
Identifiers: ClinVar variation 2631618 (VCV002631618.1), dbSNP rs2502859418, ClinGen allele CA485011827.

ClinVar aggregate classification (germline): Uncertain significance (1 of 4 stars; one submission).

Conditions:
ATP11A-related disorder. Also called: ATP11A-related condition.

Allele frequency attached by ClinVar (database versions not stated): gnomAD exomes below 0.00001.

Submission:

PreventionGenetics, part of Exact Sciences
Classification: Uncertain significance for ATP11A-related condition. Last evaluated: 2023-08-21. Review status: criteria provided, single submitter. Criteria: ACMG Guidelines, 2015. Collection method: clinical testing. Allele origin: germline.
Comment: The ATP11A c.178_182del5 variant is predicted to result in a frameshift and premature protein termination (p.Phe60Thrfs*6). To our knowledge, this variant has not been reported in the literature or in a large population database, indicating this variant is rare. At this time, the clinical significance of this variant is uncertain due to the absence of conclusive functional and genetic evidence.